The following is an entry in ClinVar:

NM_033215.5(PPP1R3F):c.77C>T (p.Thr26Ile)

Genes: PPP1R3F (protein phosphatase 1 regulatory subunit 3F; plus strand), LOC130068282 (ATAC-STARR-seq lymphoblastoid silent region 20845; plus strand). Cytogenetic location: Xp11.23.
Variant type: single nucleotide variant.
Coding change: c.77C>T on transcript NM_033215.5 (MANE Select); coding-DNA position 77, C replaced by T.
Protein change: p.Thr26Ile; replaces threonine 26 with isoleucine.
Molecular consequence: missense variant. On other transcripts: intron variant (1).
Genome position (GRCh38, 1-based): chrX:49,269,946, C>T. VCF-style: chrX-49269946-C-T. GRCh37 (hg19) VCF-style: chrX-49126409-C-T.
Other names: c.-32+13C>T (NM_001184745.2); short protein forms T26I.
Identifiers: ClinVar variation 2466821 (VCV002466821.8), dbSNP rs1274274514, ClinGen allele CA412955160.

ClinVar aggregate classification (germline): Conflicting classifications of pathogenicity. Review status: criteria provided, conflicting classifications (1 of 4 stars). 2 submissions from 2 submitters: Uncertain significance (1); Likely benign (1). Last evaluated 2025-12-01.

Allele frequency attached by ClinVar (database versions not stated): TOPMed 0.00008; gnomAD 0.00009.
gnomAD v4.1: 103 of 905,589 alleles (0.011%); highest among the groups gnomAD compares: Non-Finnish European, 0.013%; no homozygotes.

Submissions (2):

CeGaT Center for Human Genetics Tuebingen
Classification: Likely benign. Last evaluated: 2025-12-01. Review status: criteria provided, single submitter. Criteria: CeGaT Center For Human Genetics Tuebingen Variant Classification Criteria Version 2. Collection method: clinical testing. Allele origin: germline. Affected: yes. Observed: 1 variant allele.
Comment: PPP1R3F: BS2

Ambry Genetics
Classification: Uncertain significance. Last evaluated: 2025-04-01. Review status: criteria provided, single submitter. Criteria: Ambry Variant Classification Scheme 2023. Collection method: clinical testing. Allele origin: germline.